The following is an entry in ClinVar:

ClinVar aggregate classification (germline): Uncertain significance (1 of 4 stars; one submission).

Allele frequency attached by ClinVar (database versions not stated): gnomAD exomes below 0.00001.
gnomAD v4.1: 1 of 1,614,098 alleles (0.000062%); highest among the groups gnomAD compares: Non-Finnish European, 0.000085%; no homozygotes.

Submission:

Labcorp Genetics (formerly Invitae), Labcorp
Classification: Uncertain significance. Last evaluated: 2022-10-13. Review status: criteria provided, single submitter. Criteria: Invitae Variant Classification Sherloc (09022015). Collection method: clinical testing. Allele origin: germline.
Comment: In summary, the available evidence is currently insufficient to determine the role of this variant in disease. Therefore, it has been classified as a Variant of Uncertain Significance. Advanced modeling of protein sequence and biophysical properties (such as structural, functional, and spatial information, amino acid conservation, physicochemical variation, residue mobility, and thermodynamic stability) performed at Invitae indicates that this missense variant is not expected to disrupt CDHR1 protein function. ClinVar contains an entry for this variant (Variation ID: 1358823). This variant has not been reported in the literature in individuals affected with CDHR1-related conditions. This variant is not present in population databases (gnomAD no frequency). This sequence change replaces glutamine, which is neutral and polar, with proline, which is neutral and non-polar, at codon 373 of the CDHR1 protein (p.Gln373Pro).

NM_033100.4(CDHR1):c.1118A>C (p.Gln373Pro)

Gene: CDHR1 (cadherin related family member 1; plus strand). Cytogenetic location: 10q23.1.
Variant type: single nucleotide variant.
Coding change: c.1118A>C on transcript NM_033100.4 (MANE Select); coding-DNA position 1118, A replaced by C.
Protein change: p.Gln373Pro; replaces glutamine 373 with proline.
Molecular consequence: missense variant.
Genome position (GRCh38, 1-based): chr10:84,208,328, A>C. VCF-style: chr10-84208328-A-C. GRCh37 (hg19) VCF-style: chr10-85968084-A-C.
Other names: c.1118A>C, p.Gln373Pro (NM_001171971.3); short protein forms Q373P.
Identifiers: ClinVar variation 1358823 (VCV001358823.8), dbSNP rs2132820771, ClinGen allele CA377374894.
Genomic context (GRCh38, chr10:84,208,328, plus strand): 5'-TCTATGGAGAGAGCGGACCCCAAAACAGGTTTGAGCTGTCCATGAATGAGCACCCACCCC[A>C]GGGAGAGATCCTGCGGGGCCTCAAGATCACCGTCAATGACTCCGACCAGGTGTGTGGTCC-3'
Protein context (NP_149091.1, residues 363-383): FELSMNEHPP[Gln373Pro]GEILRGLKIT